The following is an entry in ClinVar:

NM_015046.7(SETX):c.99C>T (p.Ala33=)

Gene: SETX (senataxin; minus strand). Cytogenetic location: 9q34.13.
Variant type: single nucleotide variant.
Coding change: c.99C>T on transcript NM_015046.7 (MANE Select); coding-DNA position 99, C replaced by T.
Protein change: p.Ala33=; no amino-acid change (alanine 33 retained).
Molecular consequence: synonymous variant.
Genome position (GRCh38, 1-based): chr9:132,349,330, G>A on the plus strand (C>T on the coding strand, the complement: SETX is on the minus strand). VCF-style: chr9-132349330-G-A. GRCh37 (hg19) VCF-style: chr9-135224717-G-A.
Other names: c.99C>T, p.Ala33= (NM_001351527.2, NM_001351528.2).
Identifiers: ClinVar variation 468530 (VCV000468530.28), dbSNP rs762914576, ClinGen allele CA5298132.

ClinVar aggregate classification (germline): Likely benign. Review status: criteria provided, multiple submitters, no conflicts (2 of 4 stars). 5 submissions from 4 submitters: Likely benign (5). Last evaluated 2024-10-01.

Conditions:
Inborn genetic diseases. Identifiers: MedGen C0950123, MeSH D030342.
Amyotrophic lateral sclerosis type 4 (ALS4). Also called: AMYOTROPHIC LATERAL SCLEROSIS 4, JUVENILE; NEURONOPATHY, DISTAL HEREDITARY MOTOR, WITH PYRAMIDAL FEATURES. Identifiers: Orphanet 357043, MedGen C1865409, MONDO:0011223, OMIM 602433.
Spinocerebellar ataxia, autosomal recessive, with axonal neuropathy 2 (SCAN2). Also called: Ataxia-ocular apraxia-2; Ataxia with Oculomotor Apraxia; Ataxia with Oculomotor Apraxia Type 2; ATAXIA-OCULOMOTOR APRAXIA 2. Identifiers: Orphanet 64753, MedGen C1853761, MONDO:0018996, OMIM 606002.

Allele frequency attached by ClinVar (database versions not stated): gnomAD exomes below 0.00001 and 0.00001; gnomAD 0.00001; ExAC 0.00002; TOPMed 0.00002.
gnomAD v4.1: 9 of 1,613,942 alleles (0.00056%); highest among the groups gnomAD compares: South Asian, 0.0044%; no homozygotes.

Submissions (5):

CeGaT Center for Human Genetics Tuebingen
Classification: Likely benign. Last evaluated: 2024-10-01. Review status: criteria provided, single submitter. Criteria: CeGaT Center For Human Genetics Tuebingen Variant Classification Criteria Version 2. Collection method: clinical testing. Allele origin: germline. Affected: yes. Observed: 1 variant allele.
Comment: SETX: BP4, BP7

Labcorp Genetics (formerly Invitae), Labcorp
Classification: Likely benign for Amyotrophic lateral sclerosis type 4; Spinocerebellar ataxia, autosomal recessive, with axonal neuropathy 2. Last evaluated: 2023-08-17. Review status: criteria provided, single submitter. Criteria: Invitae Variant Classification Sherloc (09022015). Collection method: clinical testing. Allele origin: germline.

Genome-Nilou Lab
Classification: Likely benign for Spinocerebellar ataxia, autosomal recessive, with axonal neuropathy 2. Last evaluated: 2023-02-08. Review status: criteria provided, single submitter. Criteria: ACMG Guidelines, 2015. Collection method: clinical testing. Allele origin: germline.

Genome-Nilou Lab
Classification: Likely benign for Amyotrophic lateral sclerosis type 4. Last evaluated: 2023-02-08. Review status: criteria provided, single submitter. Criteria: ACMG Guidelines, 2015. Collection method: clinical testing. Allele origin: germline.

Ambry Genetics
Classification: Likely benign for Inborn genetic diseases. Last evaluated: 2019-07-11. Review status: criteria provided, single submitter. Criteria: Ambry Variant Classification Scheme 2023. Collection method: clinical testing. Allele origin: germline.